The following is an entry in ClinVar:

NM_003801.4(GPAA1):c.539T>C (p.Ile180Thr)

Gene: GPAA1 (glycosylphosphatidylinositol anchor attachment 1; plus strand). Cytogenetic location: 8q24.3.
Variant type: single nucleotide variant.
Coding change: c.539T>C on transcript NM_003801.4 (MANE Select); coding-DNA position 539, T replaced by C.
Protein change: p.Ile180Thr; replaces isoleucine 180 with threonine.
Molecular consequence: missense variant.
Genome position (GRCh38, 1-based): chr8:144,083,963, T>C. VCF-style: chr8-144083963-T-C. GRCh37 (hg19) VCF-style: chr8-145138866-T-C.
Other names: c.539T>C (NM_003801.3); short protein forms I180T.
Identifiers: ClinVar variation 1421506 (VCV001421506.7), dbSNP rs781942869, ClinGen allele CA4932856.

ClinVar aggregate classification (germline): Uncertain significance. Review status: criteria provided, multiple submitters, no conflicts (2 of 4 stars). 3 submissions from 3 submitters: Uncertain significance (3). Last evaluated 2024-10-30.

Conditions:
Inborn genetic diseases. Identifiers: MedGen C0950123, MeSH D030342.

Allele frequency attached by ClinVar (database versions not stated): gnomAD 0.00003; gnomAD exomes 0.00007; ExAC 0.00011.
gnomAD v4.1: 81 of 1,613,910 alleles (0.005%); highest among the groups gnomAD compares: Non-Finnish European, 0.0064%; no homozygotes.

Submissions (3):

Labcorp Genetics (formerly Invitae), Labcorp
Classification: Uncertain significance. Last evaluated: 2024-10-30. Review status: criteria provided, single submitter. Criteria: Invitae Variant Classification Sherloc (09022015). Collection method: clinical testing. Allele origin: germline.
Comment: This sequence change replaces isoleucine, which is neutral and non-polar, with threonine, which is neutral and polar, at codon 180 of the GPAA1 protein (p.Ile180Thr). This variant is present in population databases (rs781942869, gnomAD 0.01%). This variant has not been reported in the literature in individuals affected with GPAA1-related conditions. ClinVar contains an entry for this variant (Variation ID: 1421506). Invitae Evidence Modeling of protein sequence and biophysical properties (such as structural, functional, and spatial information, amino acid conservation, physicochemical variation, residue mobility, and thermodynamic stability) has been performed for this missense variant. However, the output from this modeling did not meet the statistical confidence thresholds required to predict the impact of this variant on GPAA1 protein function. In summary, the available evidence is currently insufficient to determine the role of this variant in disease. Therefore, it has been classified as a Variant of Uncertain Significance.

Blueprint Genetics
Classification: Uncertain significance. Last evaluated: 2024-10-09. Review status: criteria provided, single submitter. Criteria: ACMG Guidelines, 2015. Collection method: clinical testing. Allele origin: germline.

Ambry Genetics
Classification: Uncertain significance for Inborn genetic diseases. Last evaluated: 2023-05-17. Review status: criteria provided, single submitter. Criteria: Ambry Variant Classification Scheme 2023. Collection method: clinical testing. Allele origin: germline.